The following is an entry in ClinVar:

NM_178012.5(TUBB2B):c.33G>C (p.Gln11His)

Gene: TUBB2B (tubulin beta 2B class IIb; minus strand). Cytogenetic location: 6p25.2.
Variant type: single nucleotide variant.
Coding change: c.33G>C on transcript NM_178012.5 (MANE Select); coding-DNA position 33, G replaced by C.
Protein change: p.Gln11His; replaces glutamine 11 with histidine.
Molecular consequence: missense variant.
Genome position (GRCh38, 1-based): chr6:3,227,511, C>G on the plus strand (G>C on the coding strand, the complement: TUBB2B is on the minus strand). VCF-style: chr6-3227511-C-G. GRCh37 (hg19) VCF-style: chr6-3227745-C-G.
Other names: short protein forms Q11H.
Identifiers: ClinVar variation 431080 (VCV000431080.3), dbSNP rs1135401758, ClinGen allele CA362590385.
Genomic context (GRCh38, chr6:3,227,511, plus strand): 5'-GCCCCCATTGGACCCCCTCCGCTGCGGCGCGCCCACCTTGGCGCCGATCTGGTTGCCGCA[C>G]TGGCCCGCCTGGATGTGCACGATCTCACGCATGGTGCCTCGTCAGCGTCCTCCTGGTCCG-3'
Protein context (NP_821080.1, residues 1-21): MREIVHIQAG[Gln11His]CGNQIGAKFW

ClinVar aggregate classification (germline): Likely pathogenic. Review status: criteria provided, single submitter (1 of 4 stars). 2 submissions from 2 submitters: Likely pathogenic (1). 1 of the submissions does not count toward it. Last evaluated 2016-06-08.

Conditions:
Complex cortical dysplasia with other brain malformations 7. Identifiers: Orphanet 300573, MedGen C3552236, MONDO:0012399, OMIM 610031.

Submissions (2):

GeneDx
Classification: Likely pathogenic. Last evaluated: 2016-06-08. Review status: criteria provided, single submitter. Criteria: GeneDx Variant Classification (06012015). Collection method: clinical testing. Allele origin: germline. Affected: yes.
Comment: The Q11H variant in the TUBB2B gene has not been reported previously as a pathogenic variant, nor as a benign variant, to our knowledge. The Q11H variant was not observed in approximately 6,500 individuals of European and African American ancestry in the NHLBI Exome Sequencing Project, indicating it is not a common benign variant in these populations. The Q11H variant is a semi-conservative amino acid substitution, which may impact secondary protein structure as these residues differ in some properties. This substitution occurs at a position that is conserved across species, and in silico analysis predicts this variant is probably damaging to the protein structure/function. The Q11H variant is a strong candidate for a pathogenic variant. However, the possibility it may be a rare benign variant cannot be excluded.

Foundation for Research in Genetics and Endocrinology, FRIGE's Institute of Human Genetics
Classification: Likely pathogenic for Complex cortical dysplasia with other brain malformations 7. Last evaluated: 2017-01-01. Review status: no assertion criteria provided. Collection method: clinical testing. Allele origin: germline. Inheritance: Autosomal dominant inheritance. Affected: yes. Observed: 1 variant allele, 1 homozygote. Not counted in ClinVar's aggregate classification.
Comment: This variant has not been reported in both 1000 Genomes and ExAC databases. The in silico prediction of the variant are probably damaging by PolyPhen-2 and damaging by SIFT and MutationTaster2.